The following is an entry in ClinVar:

ClinVar aggregate classification (germline): Uncertain significance. Review status: criteria provided, multiple submitters, no conflicts (2 of 4 stars). 2 submissions from 2 submitters: Uncertain significance (2). Last evaluated 2025-06-18.

Conditions:
Pitt-Hopkins-like syndrome 2 (PTHSL2). Identifiers: Orphanet 221150, Orphanet 600663, MedGen C3280479, MONDO:0013690, OMIM 614325.

Allele frequency attached by ClinVar (database versions not stated): gnomAD exomes below 0.00001.
gnomAD v4.1: 3 of 1,613,986 alleles (0.00019%); highest among the groups gnomAD compares: Non-Finnish European, 0.00025%; no homozygotes.

Submissions (2):

Labcorp Genetics (formerly Invitae), Labcorp
Classification: Uncertain significance for Pitt-Hopkins-like syndrome 2. Last evaluated: 2025-06-18. Review status: criteria provided, single submitter. Criteria: Invitae Variant Classification Sherloc (09022015). Collection method: clinical testing. Allele origin: germline.
Comment: This sequence change replaces leucine, which is neutral and non-polar, with arginine, which is basic and polar, at codon 721 of the NRXN1 protein (p.Leu721Arg). This variant is not present in population databases (gnomAD no frequency). This variant has not been reported in the literature in individuals affected with NRXN1-related conditions. ClinVar contains an entry for this variant (Variation ID: 1217003). An algorithm developed to predict the effect of missense changes on protein structure and function (PolyPhen-2) suggests that this variant is likely to be tolerated. In summary, the available evidence is currently insufficient to determine the role of this variant in disease. Therefore, it has been classified as a Variant of Uncertain Significance.

GeneDx
Classification: Uncertain significance. Last evaluated: 2022-06-27. Review status: criteria provided, single submitter. Criteria: GeneDx Variant Classification Process June 2021. Collection method: clinical testing. Allele origin: germline. Affected: yes.
Comment: Not observed at significant frequency in large population cohorts (gnomAD); In silico analysis supports that this missense variant does not alter protein structure/function; Has not been previously published as pathogenic or benign to our knowledge

NM_001330078.2(NRXN1):c.2042T>G (p.Leu681Arg)

Gene: NRXN1 (neurexin 1; minus strand). Cytogenetic location: 2p16.3.
Variant type: single nucleotide variant.
Coding change: c.2042T>G on transcript NM_001330078.2 (MANE Select); coding-DNA position 2042, T replaced by G.
Protein change: p.Leu681Arg; replaces leucine 681 with arginine.
Molecular consequence: missense variant.
Genome position (GRCh38, 1-based): chr2:50,538,354, A>C on the plus strand (T>G on the coding strand, the complement: NRXN1 is on the minus strand). VCF-style: chr2-50538354-A-C. GRCh37 (hg19) VCF-style: chr2-50765492-A-C.
Other names: c.2162T>G, p.Leu721Arg (NM_001135659.3); c.2018T>G, p.Leu673Arg (NM_001330077.2, NM_001330082.2, NM_001330095.2); c.2003T>G, p.Leu668Arg (NM_001330083.2, NM_001330084.2); c.2042T>G, p.Leu681Arg (NM_001330085.2, NM_001330086.2, NM_004801.6); c.1958T>G, p.Leu653Arg (NM_001330087.2, NM_001330096.2); c.1988T>G, p.Leu663Arg (NM_001330088.2); c.2039T>G, p.Leu680Arg (NM_001330093.2); c.2030T>G, p.Leu677Arg (NM_001330094.2); short protein forms L653R, L663R, L668R, L673R, L677R, L680R, L681R, L721R.
Identifiers: ClinVar variation 1217003 (VCV001217003.6), dbSNP rs2093313457, ClinGen allele CA346770360.
Genomic context (GRCh38, chr2:50,538,354, plus strand): 5'-TCACAGACATATCTGTTCCACCCATCCCTGCACATGCCATTGTTTTTGCAAGGGTTGCTA[A>C]GGCACGGTTTTGCTGTTTCCTTTGAGCAGGAAGGCTTCACTCCAGCAGTACTTTGAACTT-3'
Protein context (NP_001317007.1, residues 671-691): SCSKETAKPC[Leu681Arg]SNPCKNNGMC